The following is an entry in ClinVar:

NM_001367624.2(ZNF469):c.1913C>T (p.Pro638Leu)

Gene: ZNF469 (zinc finger protein 469; plus strand). Cytogenetic location: 16q24.2.
Variant type: single nucleotide variant.
Coding change: c.1913C>T on transcript NM_001367624.2 (MANE Select); coding-DNA position 1913, C replaced by T.
Protein change: p.Pro638Leu; replaces proline 638 with leucine.
Molecular consequence: missense variant.
Genome position (GRCh38, 1-based): chr16:88,429,383, C>T. VCF-style: chr16-88429383-C-T. GRCh37 (hg19) VCF-style: chr16-88495791-C-T.
Other names: NM_001127464.1:c.1913C>T; NM_001127464.2:c.1913C>T; short protein forms P638L.
Identifiers: ClinVar variation 1219578 (VCV001219578.18), dbSNP rs572690908, ClinGen allele CA8224725.

ClinVar aggregate classification (germline): Benign/Likely benign. Review status: criteria provided, multiple submitters, no conflicts (2 of 4 stars). 6 submissions from 6 submitters: Benign (1); Likely benign (5). Last evaluated 2026-01-26.

Conditions:
ZNF469-related disorder. Also called: ZNF469-related condition.
Ehlers-Danlos syndrome (EDS). Identifiers: Orphanet 98249, MedGen C0013720, MONDO:0020066.
Cardiovascular phenotype. Identifiers: MedGen CN230736.

Allele frequency attached by ClinVar (database versions not stated): gnomAD exomes 0.00012 and 0.00024; ExAC 0.00043; 1000 Genomes Project 0.00120; 1000 Genomes Project 30x 0.00125; gnomAD 0.00134 and 0.00146; TOPMed 0.00159.
gnomAD v4.1: 374 of 1,549,438 alleles (0.024%); highest among the groups gnomAD compares: African/African-American, 0.48%; 1 homozygote.

Submissions (6):

Labcorp Genetics (formerly Invitae), Labcorp
Classification: Likely benign. Last evaluated: 2026-01-26. Review status: criteria provided, single submitter. Criteria: Invitae Variant Classification Sherloc (09022015). Collection method: clinical testing. Allele origin: germline.

Women's Health and Genetics/Laboratory Corporation of America, LabCorp
Classification: Likely benign. Last evaluated: 2025-05-19. Review status: criteria provided, single submitter. Criteria: LabCorp Variant Classification Summary - May 2015. Collection method: clinical testing. Allele origin: germline.
Comment: Variant summary: ZNF469 c.1913C>T (p.Pro638Leu) results in a non-conservative amino acid change in the encoded protein sequence. Algorithms developed to predict the effect of missense changes on protein structure and function are either unavailable or do not agree on the potential impact of this missense change. The variant allele was found at a frequency of 0.00024 in 1549438 control chromosomes, predominantly at a frequency of 0.0048 within the African or African-American subpopulation in the gnomAD database, including 1 homozygotes. The observed variant frequency within African or African-American control individuals in the gnomAD database exceeds the estimated maximal expected allele frequency for a pathogenic variant in ZNF469 causing Brittle cornea syndrome 1 phenotype. To our knowledge, no occurrence of c.1913C>T in individuals affected with Brittle cornea syndrome 1 and no experimental evidence demonstrating its impact on protein function have been reported. ClinVar contains an entry for this variant (Variation ID: 1219578). Based on the evidence outlined above, the variant was classified as likely benign.

PreventionGenetics, part of Exact Sciences
Classification: Likely benign for ZNF469-related condition. Last evaluated: 2025-03-14. Review status: criteria provided, single submitter. Criteria: ACMG Guidelines, 2015. Collection method: clinical testing. Allele origin: germline.
Comment: This variant is classified as likely benign based on ACMG/AMP sequence variant interpretation guidelines (Richards et al. 2015 PMID: 25741868, with internal and published modifications).

Genome Diagnostics Laboratory, The Hospital for Sick Children
Classification: Likely benign for Ehlers-Danlos syndrome. Last evaluated: 2022-06-13. Review status: criteria provided, single submitter. Criteria: ACMG Guidelines, 2015. Collection method: clinical testing. Allele origin: germline.

Ambry Genetics
Classification: Benign for Cardiovascular phenotype. Last evaluated: 2021-03-25. Review status: criteria provided, single submitter. Criteria: Ambry Variant Classification Scheme 2023. Collection method: clinical testing. Allele origin: germline.

GeneDx
Classification: Likely benign. Last evaluated: 2020-10-22. Review status: criteria provided, single submitter. Criteria: GeneDx Variant Classification Process June 2021. Collection method: clinical testing. Allele origin: germline. Affected: yes.